The following is an entry in ClinVar:

ClinVar aggregate classification (germline): Uncertain significance. Review status: criteria provided, multiple submitters, no conflicts (2 of 4 stars). 2 submissions from 2 submitters: Uncertain significance (2). Last evaluated 2026-02-21.

Conditions:
Inborn genetic diseases. Identifiers: MedGen C0950123, MeSH D030342.

gnomAD v4.1: 5 of 1,613,732 alleles (0.00031%); highest among the groups gnomAD compares: Non-Finnish European, 0.00042%; no homozygotes.

Submissions (2):

GeneDx
Classification: Uncertain significance. Last evaluated: 2026-02-21. Review status: criteria provided, single submitter. Criteria: GeneDx Variant Classification Process June 2021. Collection method: clinical testing. Allele origin: germline.
Comment: Not observed at significant frequency in large population cohorts (gnomAD); In silico analysis supports that this missense variant has a deleterious effect on protein structure/function; Has not been previously published as pathogenic or benign to our knowledge

Ambry Genetics
Classification: Uncertain significance for Inborn genetic diseases. Last evaluated: 2025-08-08. Review status: criteria provided, single submitter. Criteria: Ambry Variant Classification Scheme 2023. Collection method: clinical testing. Allele origin: germline.

NM_001519.4(BRF1):c.758T>C (p.Val253Ala)

Gene: BRF1 (BRF1 general transcription factor IIIB subunit; minus strand). Cytogenetic location: 14q32.33.
Variant type: single nucleotide variant.
Coding change: c.758T>C on transcript NM_001519.4 (MANE Select); coding-DNA position 758, T replaced by C.
Protein change: p.Val253Ala; replaces valine 253 with alanine.
Molecular consequence: missense variant.
Genome position (GRCh38, 1-based): chr14:105,228,850, A>G on the plus strand (T>C on the coding strand, the complement: BRF1 is on the minus strand). VCF-style: chr14-105228850-A-G. GRCh37 (hg19) VCF-style: chr14-105695187-A-G.
Other names: c.413T>C, p.Val138Ala (NM_001242786.2, NM_001242787.2); c.677T>C, p.Val226Ala (NM_001242788.2); c.44T>C, p.Val15Ala (NM_001242789.2); c.758T>C, p.Val253Ala (NM_001440449.1); c.608T>C, p.Val203Ala (NM_001440450.1); c.263T>C, p.Val88Ala (NM_001440451.1); c.245T>C, p.Val82Ala (NM_001440452.1, NM_001440453.1); c.95T>C, p.Val32Ala (NM_001440454.1); and 1 more; short protein forms V15A, V226A, V138A, V82A, V32A, V49A, V88A, V203A.
Identifiers: ClinVar variation 4216138 (VCV004216138.2).